The following is an entry in ClinVar:

ClinVar aggregate classification (germline): Likely benign. Review status: criteria provided, single submitter (1 of 4 stars). 2 submissions from 2 submitters: Likely benign (1). 1 of the submissions does not count toward it. Last evaluated 2024-07-01.

Conditions:
PCK1-related disorder. Also called: PCK1-related condition.

Allele frequency attached by ClinVar (database versions not stated): ExAC 0.00002; gnomAD exomes 0.00002; TOPMed 0.00002; gnomAD 0.00003.
gnomAD v4.1: 42 of 1,614,000 alleles (0.0026%); highest among the groups gnomAD compares: Non-Finnish European, 0.0032%; no homozygotes.

Submissions (2):

CeGaT Center for Human Genetics Tuebingen
Classification: Likely benign. Last evaluated: 2024-07-01. Review status: criteria provided, single submitter. Criteria: CeGaT Center For Human Genetics Tuebingen Variant Classification Criteria Version 2. Collection method: clinical testing. Allele origin: germline. Affected: yes. Observed: 1 variant allele.
Comment: PCK1: BP4, BP7

PreventionGenetics, part of Exact Sciences
Classification: Likely benign for PCK1-related condition. Last evaluated: 2020-03-17. Review status: no assertion criteria provided. Collection method: clinical testing. Allele origin: germline. Not counted in ClinVar's aggregate classification.
Comment: This variant is classified as likely benign based on ACMG/AMP sequence variant interpretation guidelines (Richards et al. 2015 PMID: 25741868, with internal and published modifications).

NM_002591.4(PCK1):c.684C>A (p.Ile228=)

Gene: PCK1 (phosphoenolpyruvate carboxykinase 1; plus strand). Cytogenetic location: 20q13.31.
Variant type: single nucleotide variant.
Coding change: c.684C>A on transcript NM_002591.4 (MANE Select); coding-DNA position 684, C replaced by A.
Protein change: p.Ile228=; no amino-acid change (isoleucine 228 retained).
Molecular consequence: synonymous variant.
Genome position (GRCh38, 1-based): chr20:57,563,101, C>A. VCF-style: chr20-57563101-C-A. GRCh37 (hg19) VCF-style: chr20-56138157-C-A.
Identifiers: ClinVar variation 3050980 (VCV003050980.18), dbSNP rs771750002, ClinGen allele CA9922125.